The following is an entry in ClinVar:

NM_172362.3(KCNH1):c.754G>T (p.Val252Phe)

Gene: KCNH1 (potassium voltage-gated channel subfamily H member 1; minus strand). Cytogenetic location: 1q32.2.
Variant type: single nucleotide variant.
Coding change: c.754G>T on transcript NM_172362.3 (MANE Select); coding-DNA position 754, G replaced by T.
Protein change: p.Val252Phe; replaces valine 252 with phenylalanine.
Molecular consequence: missense variant.
Genome position (GRCh38, 1-based): chr1:211,019,061, C>A on the plus strand (G>T on the coding strand, the complement: KCNH1 is on the minus strand). VCF-style: chr1-211019061-C-A. GRCh37 (hg19) VCF-style: chr1-211192403-C-A.
Other names: c.754G>T, p.Val252Phe (NM_002238.4); short protein forms V252F.
Identifiers: ClinVar variation 2844257 (VCV002844257.3), dbSNP rs2526596568, ClinGen allele CA344876133.

ClinVar aggregate classification (germline): Uncertain significance (1 of 4 stars; one submission).

Submission:

Labcorp Genetics (formerly Invitae), Labcorp
Classification: Uncertain significance. Last evaluated: 2023-03-08. Review status: criteria provided, single submitter. Criteria: Invitae Variant Classification Sherloc (09022015). Collection method: clinical testing. Allele origin: germline.
Comment: This variant is not present in population databases (gnomAD no frequency). In summary, the available evidence is currently insufficient to determine the role of this variant in disease. Therefore, it has been classified as a Variant of Uncertain Significance. Advanced modeling of protein sequence and biophysical properties (such as structural, functional, and spatial information, amino acid conservation, physicochemical variation, residue mobility, and thermodynamic stability) performed at Invitae indicates that this missense variant is expected to disrupt KCNH1 protein function. This variant has not been reported in the literature in individuals affected with KCNH1-related conditions. This sequence change replaces valine, which is neutral and non-polar, with phenylalanine, which is neutral and non-polar, at codon 252 of the KCNH1 protein (p.Val252Phe).